The following is an entry in ClinVar:

NM_004655.4(AXIN2):c.2136G>T (p.Lys712Asn)

Gene: AXIN2 (axin 2; minus strand). Cytogenetic location: 17q24.1.
Variant type: single nucleotide variant.
Coding change: c.2136G>T on transcript NM_004655.4 (MANE Select); coding-DNA position 2136, G replaced by T.
Protein change: p.Lys712Asn; replaces lysine 712 with asparagine.
Molecular consequence: missense variant.
Genome position (GRCh38, 1-based): chr17:65,536,325, C>A on the plus strand (G>T on the coding strand, the complement: AXIN2 is on the minus strand). VCF-style: chr17-65536325-C-A. GRCh37 (hg19) VCF-style: chr17-63532443-C-A.
Other names: c.1941G>T, p.Lys647Asn (NM_001363813.1); short protein forms K647N, K712N.
Identifiers: ClinVar variation 1720854 (VCV001720854.6), dbSNP rs2509400490, ClinGen allele CA400675912.

ClinVar aggregate classification (germline): Uncertain significance. Review status: criteria provided, multiple submitters, no conflicts (2 of 4 stars). 2 submissions from 2 submitters: Uncertain significance (2). Last evaluated 2024-11-24.

Conditions:
Hereditary cancer-predisposing syndrome. Also called: Hereditary neoplastic syndrome; Neoplastic Syndromes, Hereditary; Hereditary Cancer Syndrome; Tumor predisposition. Identifiers: Orphanet 140162, MedGen C0027672, MeSH D009386, MONDO:0015356.
Oligodontia-cancer predisposition syndrome. Also called: TOOTH AGENESIS-COLORECTAL CANCER SYNDROME. Identifiers: Orphanet 300576, MedGen C1837750, MONDO:0012075, OMIM 608615. Disease mechanism: loss of function.

Submissions (2):

Labcorp Genetics (formerly Invitae), Labcorp
Classification: Uncertain significance for Oligodontia-cancer predisposition syndrome. Last evaluated: 2024-11-24. Review status: criteria provided, single submitter. Criteria: Invitae Variant Classification Sherloc (09022015). Collection method: clinical testing. Allele origin: germline.
Comment: This sequence change replaces lysine, which is basic and polar, with asparagine, which is neutral and polar, at codon 712 of the AXIN2 protein (p.Lys712Asn). This variant is not present in population databases (gnomAD no frequency). This variant has not been reported in the literature in individuals affected with AXIN2-related conditions. ClinVar contains an entry for this variant (Variation ID: 1720854). Invitae Evidence Modeling of protein sequence and biophysical properties (such as structural, functional, and spatial information, amino acid conservation, physicochemical variation, residue mobility, and thermodynamic stability) indicates that this missense variant is expected to disrupt AXIN2 protein function with a positive predictive value of 80%. In summary, the available evidence is currently insufficient to determine the role of this variant in disease. Therefore, it has been classified as a Variant of Uncertain Significance.

Ambry Genetics
Classification: Uncertain significance for Hereditary cancer-predisposing syndrome. Last evaluated: 2024-03-07. Review status: criteria provided, single submitter. Criteria: Ambry Variant Classification Scheme 2023. Collection method: clinical testing. Allele origin: germline.
Comment: The p.K712N variant (also known as c.2136G>T), located in coding exon 7 of the AXIN2 gene, results from a G to T substitution at nucleotide position 2136. The lysine at codon 712 is replaced by asparagine, an amino acid with similar properties. This amino acid position is conserved. In addition, this alteration is predicted to be tolerated by in silico analysis. Based on the available evidence, the clinical significance of this alteration remains unclear.